The following is an entry in ClinVar:

NM_000180.4(GUCY2D):c.2260G>T (p.Glu754Ter)

Gene: GUCY2D (guanylate cyclase 2D, retinal; plus strand). Cytogenetic location: 17p13.1.
Variant type: single nucleotide variant.
Coding change: c.2260G>T on transcript NM_000180.4 (MANE Select); coding-DNA position 2260, G replaced by T.
Protein change: p.Glu754Ter; replaces glutamic acid 754 with a stop codon.
Molecular consequence: nonsense.
Genome position (GRCh38, 1-based): chr17:8,013,249, G>T. VCF-style: chr17-8013249-G-T. GRCh37 (hg19) VCF-style: chr17-7916567-G-T.
Other names: short protein forms E754*.
Identifiers: ClinVar variation 1366687 (VCV001366687.8), dbSNP rs747951577, ClinGen allele CA397953033.
Genomic context (GRCh38, chr17:8,013,249, plus strand): 5'-ATCATCATGCAAGAAGTAGTGTGCCGCAGTGCCCCTTATGCCATGCTGGAGCTCACTCCC[G>T]AGGGTAAGGCTGCCCTGTGCGTGGAGTTCGGCCCACAGGGGCACCCTGCAGTTAGAAAAG-3'

ClinVar aggregate classification (germline): Pathogenic/Likely pathogenic. Review status: criteria provided, multiple submitters, no conflicts (2 of 4 stars). 3 submissions from 3 submitters: Pathogenic (1); Likely pathogenic (2). Last evaluated 2025-04-17.

Conditions:
Leber congenital amaurosis 1 (LCA1). Also called: Congenital absence of the rods and cones; Leber's congenital tapetoretinal degeneration; Leber's congenital tapetoretinal dysplasia; RETINAL BLINDNESS, CONGENITAL; AMAUROSIS CONGENITA OF LEBER I. Identifiers: Orphanet 65, MedGen C2931258, MONDO:0008764, OMIM 204000.
Cone-rod dystrophy 6 (CORD6). Also called: Cone dystrophy progressive; RETINAL CONE DYSTROPHY 2. Identifiers: Orphanet 1872, MedGen C1866293, MONDO:0011143, OMIM 601777.
Night blindness, congenital stationary, type1i. Also called: NIGHT BLINDNESS, CONGENITAL STATIONARY, TYPE 1I. Identifiers: MedGen C5231408, MONDO:0032811, OMIM 618555.
Choroidal dystrophy, central areolar, 1. Identifiers: Orphanet 75377, MedGen C4551884, MONDO:0024539, OMIM 215500.
GUCY2D-related disorders.

gnomAD v4.1: 1 of 1,614,024 alleles (0.000062%); highest among the groups gnomAD compares: South Asian, 0.0011%; no homozygotes.

Submissions (3):

Labcorp Genetics (formerly Invitae), Labcorp
Classification: Pathogenic for Leber congenital amaurosis 1; Cone-rod dystrophy 6. Last evaluated: 2025-04-17. Review status: criteria provided, single submitter. Criteria: Invitae Variant Classification Sherloc (09022015). Collection method: clinical testing. Allele origin: germline.
Comment: This sequence change creates a premature translational stop signal (p.Glu754*) in the GUCY2D gene. It is expected to result in an absent or disrupted protein product. Loss-of-function variants in GUCY2D are known to be pathogenic (PMID: 10951519, 11328726). This variant is not present in population databases (gnomAD no frequency). This variant has not been reported in the literature in individuals affected with GUCY2D-related conditions. ClinVar contains an entry for this variant (Variation ID: 1366687). For these reasons, this variant has been classified as Pathogenic.

Fulgent Genetics
Classification: Likely pathogenic for Leber congenital amaurosis 1; Choroidal dystrophy, central areolar, 1; Cone-rod dystrophy 6; Night blindness, congenital stationary, type1i. Last evaluated: 2024-06-21. Review status: criteria provided, single submitter. Criteria: ACMG Guidelines, 2015. Collection method: clinical testing. Allele origin: germline.

Blueprint Genetics
Classification: Likely pathogenic for GUCY2D-related disorders. Last evaluated: 2022-10-26. Review status: criteria provided, single submitter. Criteria: ACMG Guidelines, 2015. Collection method: clinical testing. Allele origin: germline. Affected: yes. Observed: 1 variant allele.

Literature cited by the submitters: PubMed 10951519 (cited by Labcorp Genetics (formerly Invitae), Labcorp); PubMed 11328726 (cited by Labcorp Genetics (formerly Invitae), Labcorp).